The following is an entry in ClinVar:

ClinVar aggregate classification (germline): Uncertain significance (1 of 4 stars; one submission).

Conditions:
Hereditary nonpolyposis colorectal neoplasms. Identifiers: MedGen C0009405, MeSH D003123.

Submission:

Labcorp Genetics (formerly Invitae), Labcorp
Classification: Uncertain significance for Hereditary nonpolyposis colorectal neoplasms. Last evaluated: 2024-06-15. Review status: criteria provided, single submitter. Criteria: Invitae Variant Classification Sherloc (09022015). Collection method: clinical testing. Allele origin: germline.
Comment: This sequence change falls in intron 9 of the MSH6 gene. It does not directly change the encoded amino acid sequence of the MSH6 protein. This variant is not present in population databases (gnomAD no frequency). This variant has not been reported in the literature in individuals affected with MSH6-related conditions. Experimental studies and prediction algorithms are not available or were not evaluated, and the effect of this variant on mRNA splicing is currently unknown. In summary, the available evidence is currently insufficient to determine the role of this variant in disease. Therefore, it has been classified as a Variant of Uncertain Significance.

NM_000179.3(MSH6):c.4001+14_4001+29dup

Gene: MSH6 (mutS homolog 6; plus strand). Cytogenetic location: 2p16.3.
Variant type: Duplication.
Coding change: c.4001+14_4001+29dup on transcript NM_000179.3 (MANE Select); bases 14 to 29 of the intron after coding-DNA position 4001, 16 bases duplicated (TATAATGGAATTATAA).
Molecular consequence: intron variant.
Genome position (GRCh38, 1-based): chr2:47,806,665-47,806,680, TATAATGGAATTATAA duplicated. VCF-style (leftmost placement, unchanged base first): chr2-47806664-C-CTATAATGGAATTATAA. GRCh37 (hg19) VCF-style: chr2-48033803-C-CTATAATGGAATTATAA.
Other names: c.4001+14_4001+29dup (NM_001406809.1, NM_001406796.1, NM_001406808.1); c.3095+14_3095+29dup (NM_001406811.1, NM_001406814.1, NM_001281493.2 and 6 more transcripts); c.3704+14_3704+29dup (NM_001406805.1, NM_001406797.1, NM_001406801.1 and 10 more transcripts); c.4097+14_4097+29dup (NM_001406795.1); c.3898-114_3898-99dup (NM_001406802.1); c.4007+14_4007+29dup (NM_001406813.1); c.3476+14_3476+29dup (NM_001406807.1, NM_001406799.1, NM_001406806.1); c.*22+14_*22+29dup (NM_001406800.1); and 9 more.
Identifiers: ClinVar variation 3656670 (VCV003656670.2).